The following is an entry in ClinVar:

ClinVar aggregate classification (germline): Pathogenic. Review status: criteria provided, multiple submitters, no conflicts (2 of 4 stars). 2 submissions from 2 submitters: Pathogenic (2). Last evaluated 2025-12-22.

Conditions:
Xeroderma pigmentosum variant type. Also called: POLH-Related Xeroderma Pigmentosum; PHOTOSENSITIVITY WITH DEFECTIVE DNA SYNTHESIS; XERODERMA PIGMENTOSUM WITH NORMAL DNA REPAIR RATES. Identifiers: Orphanet 90342, MedGen C1848410, MONDO:0010214, OMIM 278750.

Allele frequency attached by ClinVar (database versions not stated): gnomAD exomes 0.00001 and 0.00002; ExAC 0.00003; gnomAD 0.00003; TOPMed 0.00006; 1000 Genomes Project 0.00020; 1000 Genomes Project 30x 0.00031.
gnomAD v4.1: 27 of 1,567,528 alleles (0.0017%); highest among the groups gnomAD compares: African/African-American, 0.0094%; no homozygotes.

Submissions (2):

Labcorp Genetics (formerly Invitae), Labcorp
Classification: Pathogenic. Last evaluated: 2025-12-22. Review status: criteria provided, single submitter. Criteria: Invitae Variant Classification Sherloc (09022015). Collection method: clinical testing. Allele origin: germline.
Comment: This sequence change creates a premature translational stop signal (p.Arg356*) in the POLH gene. It is expected to result in an absent or disrupted protein product. Loss-of-function variants in POLH are known to be pathogenic (PMID: 11773631, 24130121, 25256075). This variant is present in population databases (rs559497462, gnomAD 0.01%). This premature translational stop signal has been observed in individual(s) with xeroderma pigmentosum (PMID: 11773631). ClinVar contains an entry for this variant (Variation ID: 1459259). Algorithms developed to predict the effect of sequence changes on RNA splicing suggest that this variant may disrupt the consensus splice site. For these reasons, this variant has been classified as Pathogenic.

Molecular Genetics, Royal Melbourne Hospital
Classification: Pathogenic for Xeroderma pigmentosum variant type. Last evaluated: 2023-03-30. Review status: criteria provided, single submitter. Criteria: ACMG Guidelines, 2015. Collection method: clinical testing. Allele origin: germline. Affected: yes.
Comment: This sequence change in POLH is a nonsense variant predicted to cause a premature stop codon, p.(Arg356*), in biologically relevant exon 9/11 leading to nonsense-mediated decay in a gene in which loss-of-function is an established disease mechanism. The highest population minor allele frequency in the population database gnomAD v2.1 is 0.01% (2/16,136 alleles) in the African/African-American population, which is consistent with recessive disease. This variant has been detected in at least eight individuals with a clinical diagnosis of xeroderma pigmentosum variant type. Of those individuals, 3 individuals were homozygous and five were compound heterozygous for the variant and a pathogenic or likely pathogenic variant (PMID: 11773631, 18703314, 23651273, 26884178, 32999650, 36308448). Based on the classification scheme RMH Modified ACMG Guidelines v1.5.1, this variant is classified as PATHOGENIC. Following criteria are met: PVS1, PM3_Strong, PM2_Supporting.

Literature cited by the submitters: PubMed 11773631 (cited by Labcorp Genetics (formerly Invitae), Labcorp and Molecular Genetics, Royal Melbourne Hospital); PubMed 24130121 (cited by Labcorp Genetics (formerly Invitae), Labcorp); PubMed 25256075 (cited by Labcorp Genetics (formerly Invitae), Labcorp); PubMed 18703314 (cited by Molecular Genetics, Royal Melbourne Hospital); PubMed 23651273 (cited by Molecular Genetics, Royal Melbourne Hospital); PubMed 26884178 (cited by Molecular Genetics, Royal Melbourne Hospital); PubMed 32999650 (cited by Molecular Genetics, Royal Melbourne Hospital); PubMed 36308448 (cited by Molecular Genetics, Royal Melbourne Hospital).

NM_006502.3(POLH):c.1066C>T (p.Arg356Ter)

Gene: POLH (DNA polymerase eta; plus strand). Cytogenetic location: 6p21.1.
Variant type: single nucleotide variant.
Coding change: c.1066C>T on transcript NM_006502.3 (MANE Select); coding-DNA position 1066, C replaced by T.
Protein change: p.Arg356Ter; replaces arginine 356 with a stop codon.
Molecular consequence: nonsense.
Genome position (GRCh38, 1-based): chr6:43,605,311, C>T. VCF-style: chr6-43605311-C-T. GRCh37 (hg19) VCF-style: chr6-43573048-C-T.
Other names: c.694C>T, p.Arg232Ter (NM_001291969.2); c.1066C>T, p.Arg356Ter (NM_001291970.2); short protein forms R356*, R232*.
Identifiers: ClinVar variation 1459259 (VCV001459259.8), dbSNP rs559497462, ClinGen allele CA3827165.